The following is an entry in ClinVar:

NM_014444.5(TUBGCP4):c.1712C>A (p.Ser571Tyr)

Gene: TUBGCP4 (tubulin gamma complex associated protein 4; plus strand). Cytogenetic location: 15q15.3.
Variant type: single nucleotide variant.
Coding change: c.1712C>A on transcript NM_014444.5 (MANE Select); coding-DNA position 1712, C replaced by A.
Protein change: p.Ser571Tyr; replaces serine 571 with tyrosine.
Molecular consequence: missense variant.
Genome position (GRCh38, 1-based): chr15:43,401,831, C>A. VCF-style: chr15-43401831-C-A. GRCh37 (hg19) VCF-style: chr15-43694029-C-A.
Other names: c.1715C>A, p.Ser572Tyr (NM_001286414.3); short protein forms S571Y, S572Y.
Identifiers: ClinVar variation 431914 (VCV000431914.4), dbSNP rs1555396535, ClinGen allele CA392138069.

ClinVar aggregate classification (germline): Uncertain significance (1 of 4 stars; one submission).

Submission:

GeneDx
Classification: Uncertain significance. Last evaluated: 2022-06-01. Review status: criteria provided, single submitter. Criteria: GeneDx Variant Classification Process June 2021. Collection method: clinical testing. Allele origin: germline. Affected: yes.
Comment: Not observed at significant frequency in large population cohorts (gnomAD); In silico analysis supports that this missense variant has a deleterious effect on protein structure/function; Has not been previously published as pathogenic or benign to our knowledge